The following is an entry in ClinVar:

NM_005560.6(LAMA5):c.6543C>T (p.Ala2181=)

Gene: LAMA5 (laminin subunit alpha 5; minus strand). Cytogenetic location: 20q13.33.
Variant type: single nucleotide variant.
Coding change: c.6543C>T on transcript NM_005560.6 (MANE Select); coding-DNA position 6543, C replaced by T.
Protein change: p.Ala2181=; no amino-acid change (alanine 2181 retained).
Molecular consequence: synonymous variant.
Genome position (GRCh38, 1-based): chr20:62,320,844, G>A on the plus strand (C>T on the coding strand, the complement: LAMA5 is on the minus strand). VCF-style: chr20-62320844-G-A. GRCh37 (hg19) VCF-style: chr20-60895900-G-A.
Identifiers: ClinVar variation 722106 (VCV000722106.52), dbSNP rs143469163, ClinGen allele CA9941686.
Genomic context (GRCh38, chr20:62,320,844, plus strand): 5'-GGCCATGGAGCTGGCATTGATGCCACGCAGTTGCTCGTGAATGGCGGGGAGGAGGGCGCC[G>A]GCCCGTTCCAGGTCATCCAGGAGCAGGACCACACAGTGGTCACACACTGCAGGCGATGTG-3'
Protein context (NP_005551.3, residues 2171-2191): VVLLLDDLER[Ala2181=]GALLPAIHEQ

ClinVar aggregate classification (germline): Likely benign. Review status: criteria provided, multiple submitters, no conflicts (2 of 4 stars). 4 submissions from 4 submitters: Likely benign (3). 1 of the submissions does not count toward it. Last evaluated 2026-08-01.

Conditions:
LAMA5-related disorder. Also called: LAMA5-Related Disorders; LAMA5-related condition.

Allele frequency attached by ClinVar (database versions not stated): 1000 Genomes Project 30x 0.00062; 1000 Genomes Project 0.00080; TOPMed 0.00119; gnomAD 0.00131 and 0.00137; gnomAD exomes 0.00132 and 0.00219; ExAC 0.00152; ESP Exome Variant Server 0.00178.
gnomAD v4.1: 3,336 of 1,612,388 alleles (0.21%); highest among the groups gnomAD compares: Non-Finnish European, 0.26%; 8 homozygotes.

Submissions (4):

CeGaT Center for Human Genetics Tuebingen
Classification: Likely benign. Last evaluated: 2026-08-01. Review status: criteria provided, single submitter. Criteria: CeGaT Center For Human Genetics Tuebingen Variant Classification Criteria Version 2. Collection method: clinical testing. Allele origin: germline. Affected: yes. Observed: 4 variant alleles.
Comment: LAMA5: BP4, BP7

Labcorp Genetics (formerly Invitae), Labcorp
Classification: Likely benign. Last evaluated: 2025-12-20. Review status: criteria provided, single submitter. Criteria: Invitae Variant Classification Sherloc (09022015). Collection method: clinical testing. Allele origin: germline.

Blueprint Genetics
Classification: Likely benign. Last evaluated: 2024-11-26. Review status: criteria provided, single submitter. Criteria: ACMG Guidelines, 2015. Collection method: clinical testing. Allele origin: germline.

PreventionGenetics, part of Exact Sciences
Classification: Likely benign for LAMA5-related condition. Last evaluated: 2019-07-01. Review status: no assertion criteria provided. Collection method: clinical testing. Allele origin: germline. Not counted in ClinVar's aggregate classification.
Comment: This variant is classified as likely benign based on ACMG/AMP sequence variant interpretation guidelines (Richards et al. 2015 PMID: 25741868, with internal and published modifications).